The following is an entry in ClinVar:

ClinVar aggregate classification (germline): Uncertain significance (1 of 4 stars; one submission).

Allele frequency attached by ClinVar (database versions not stated): gnomAD exomes below 0.00001; TOPMed 0.00001; ExAC 0.00001.
gnomAD v4.1: 4 of 1,614,172 alleles (0.00025%); highest among the groups gnomAD compares: South Asian, 0.0022%; no homozygotes.

Submission:

Labcorp Genetics (formerly Invitae), Labcorp
Classification: Uncertain significance. Last evaluated: 2025-07-16. Review status: criteria provided, single submitter. Criteria: Invitae Variant Classification Sherloc (09022015). Collection method: clinical testing. Allele origin: germline.
Comment: This sequence change replaces threonine, which is neutral and polar, with methionine, which is neutral and non-polar, at codon 404 of the EFTUD2 protein (p.Thr404Met). This variant is present in population databases (rs771994707, gnomAD 0.0009%). This missense change has been observed in individual(s) with clinical features of EFTUD2-related conditions (PMID: 38259611). ClinVar contains an entry for this variant (Variation ID: 2882500). Invitae Evidence Modeling of protein sequence and biophysical properties (such as structural, functional, and spatial information, amino acid conservation, physicochemical variation, residue mobility, and thermodynamic stability) indicates that this missense variant is not expected to disrupt EFTUD2 protein function with a negative predictive value of 80%. In summary, the available evidence is currently insufficient to determine the role of this variant in disease. Therefore, it has been classified as a Variant of Uncertain Significance.

Literature cited by the submitters: PubMed 38259611.

NM_004247.4(EFTUD2):c.1211C>T (p.Thr404Met)

Gene: EFTUD2 (elongation factor Tu GTP binding domain containing 2; minus strand). Cytogenetic location: 17q21.31.
Variant type: single nucleotide variant.
Coding change: c.1211C>T on transcript NM_004247.4 (MANE Select); coding-DNA position 1211, C replaced by T.
Protein change: p.Thr404Met; replaces threonine 404 with methionine.
Molecular consequence: missense variant.
Genome position (GRCh38, 1-based): chr17:44,865,004, G>A on the plus strand (C>T on the coding strand, the complement: EFTUD2 is on the minus strand). VCF-style: chr17-44865004-G-A. GRCh37 (hg19) VCF-style: chr17-42942372-G-A.
Other names: c.1106C>T, p.Thr369Met (NM_001142605.2); c.1211C>T, p.Thr404Met (NM_001258353.2); c.1181C>T, p.Thr394Met (NM_001258354.2); short protein forms T369M, T394M, T404M.
Identifiers: ClinVar variation 2882500 (VCV002882500.3), dbSNP rs771994707, ClinGen allele CA8607842.